The following is an entry in ClinVar:

NM_001377229.1(DISP1):c.2266del (p.Arg756fs)

Gene: DISP1 (dispatched RND transporter family member 1; plus strand). Cytogenetic location: 1q41.
Variant type: Deletion.
Coding change: c.2266del on transcript NM_001377229.1 (MANE Select); coding-DNA position 2266, one base deleted (C; older notation c.2266delC).
Protein change: p.Arg756fs; shifts the reading frame from arginine 756.
Molecular consequence: frameshift variant.
Genome position (GRCh38, 1-based): chr1:223,003,663, C deleted; the last of 2 consecutive C bases (chr1:223,003,662-223,003,663); deleting either gives the same sequence. VCF-style (leftmost placement, unchanged base first): chr1-223003661-TC-T. GRCh37 (hg19) VCF-style: chr1-223177003-TC-T.
Other names: c.1537del, p.Arg513fs (NM_001350630.2); c.2266del, p.Arg756fs (NM_001369594.1, NM_001377228.1, NM_032890.5); short protein forms R513fs, R756fs.
Identifiers: ClinVar variation 4888150 (VCV004888150.1).
Genomic context (GRCh38, chr1:223,003,661, plus strand): 5'-TTGTATGTATAAATCCAAAGATGAAACTGCCCTCACTGGAGTTATCCGAGTTCCAGGTGT[TC>T]CGGTCGTCCCATCCTTTTGAGCGTTATGATGCTGAATACAAAAAGCTTTTCATGTTTGAA-3'

ClinVar aggregate classification (germline): Uncertain significance (1 of 4 stars; one submission).

Submission:

GeneDx
Classification: Uncertain significance. Last evaluated: 2022-06-16. Review status: criteria provided, single submitter. Criteria: GeneDx Variant Classification Process June 2021. Collection method: clinical testing. Allele origin: germline.
Comment: Variants in candidate genes are classified as variants of uncertain significance in accordance with ACMG guidelines (Richards et al., 2015); Not observed at significant frequency in large population cohorts (gnomAD); Frameshift variant predicted to result in protein truncation in a gene or region of a gene for which loss of function is not a well-established mechanism of disease; Has not been previously published as pathogenic or benign to our knowledge